The following is an entry in ClinVar:

ClinVar aggregate classification (germline): Uncertain significance (0 of 4 stars; one submission).

Conditions:
CAVIN4-related disorder. Also called: CAVIN4-related condition.

Submission:

PreventionGenetics, part of Exact Sciences
Classification: Uncertain significance for CAVIN4-related condition. Last evaluated: 2024-04-16. Review status: no assertion criteria provided. Collection method: clinical testing. Allele origin: germline.
Comment: The CAVIN4 c.1009C>G variant is predicted to result in the amino acid substitution p.Pro337Ala. To our knowledge, this variant has not been reported in the literature or in a large population database, indicating this variant is rare. At this time, the clinical significance of this variant is uncertain due to the absence of conclusive functional and genetic evidence.

NM_001018116.2(CAVIN4):c.1009C>G (p.Pro337Ala)

Gene: CAVIN4 (caveolae associated protein 4; plus strand). Cytogenetic location: 9q31.1.
Variant type: single nucleotide variant.
Coding change: c.1009C>G on transcript NM_001018116.2 (MANE Select); coding-DNA position 1009, C replaced by G.
Protein change: p.Pro337Ala; replaces proline 337 with alanine.
Molecular consequence: missense variant.
Genome position (GRCh38, 1-based): chr9:100,586,365, C>G. VCF-style: chr9-100586365-C-G. GRCh37 (hg19) VCF-style: chr9-103348647-C-G.
Other names: short protein forms P337A.
Identifiers: ClinVar variation 3347325 (VCV003347325.1).